The following is an entry in ClinVar:

ClinVar aggregate classification (germline): Benign/Likely benign. Review status: criteria provided, multiple submitters, no conflicts (2 of 4 stars). 9 submissions from 9 submitters: Benign (2); Likely benign (6). 1 of the submissions does not count toward it. Last evaluated 2026-02-03.

Conditions:
Patterned macular dystrophy 2. Identifiers: Orphanet 99001, MedGen C1837029, MONDO:0012162, OMIM 608970.
CTNNA1-related disorder. Also called: CTNNA1-related condition.
Hereditary nonpolyposis colon cancer (HNPCC). Also called: Hereditary Nonpolyposis Colorectal Cancer Syndrome; Hereditary nonpolyposis colorectal cancer; Familial nonpolyposis colon cancer. Identifiers: Orphanet 443909, MedGen C1333990, MONDO:0018630. Disease mechanism: loss of function.
Hereditary cancer-predisposing syndrome. Also called: Neoplastic Syndromes, Hereditary; Hereditary Cancer Syndrome; Tumor predisposition; Hereditary neoplastic syndrome. Identifiers: Orphanet 140162, MedGen C0027672, MeSH D009386, MONDO:0015356.
Hereditary diffuse gastric adenocarcinoma (HDGC). Also called: DIFFUSE GASTRIC AND LOBULAR BREAST CANCER SYNDROME. Identifiers: Orphanet 26106, MedGen C1708349, MONDO:0007648, OMIM 137215.

Allele frequency attached by ClinVar (database versions not stated): 1000 Genomes Project 30x 0.00016; 1000 Genomes Project 0.00020; gnomAD exomes 0.00032 and 0.00060; gnomAD 0.00044 and 0.00045; ExAC 0.00054; ESP Exome Variant Server 0.00085; TOPMed 0.00044.
gnomAD v4.1: 562 of 1,614,048 alleles (0.035%); highest among the groups gnomAD compares: Middle Eastern, 0.066%; 1 homozygote.

Submissions (9):

Labcorp Genetics (formerly Invitae), Labcorp
Classification: Benign. Last evaluated: 2026-02-03. Review status: criteria provided, single submitter. Criteria: Invitae Variant Classification Sherloc (09022015). Collection method: clinical testing. Allele origin: germline.

Center for Genomic Medicine, Rigshospitalet, Copenhagen University Hospital
Classification: Likely benign. Last evaluated: 2025-12-29. Review status: criteria provided, single submitter. Criteria: ACMG Guidelines, 2015. Collection method: clinical testing. Allele origin: germline.

Department of Pathology and Laboratory Medicine, Sinai Health System
Classification: Likely benign for hereditary nonpolyposis colon cancer. Last evaluated: 2024-12-30. Review status: criteria provided, single submitter. Criteria: ACMG Guidelines, 2015. Collection method: clinical testing. Allele origin: germline. Affected: no.

Blueprint Genetics
Classification: Likely benign. Last evaluated: 2024-11-08. Review status: criteria provided, single submitter. Criteria: ACMG Guidelines, 2015. Collection method: clinical testing. Allele origin: germline.

Myriad Genetics, Inc.
Classification: Benign for Hereditary diffuse gastric adenocarcinoma. Last evaluated: 2024-10-14. Review status: criteria provided, single submitter. Criteria: Myriad Autosomal Dominant, Autosomal Recessive and X-Linked Classification Criteria (2023). Collection method: clinical testing. Allele origin: unknown.
Comment: This variant is considered benign. This variant is a silent/synonymous amino acid change and it is not expected to impact splicing.

Fulgent Genetics
Classification: Likely benign for Patterned macular dystrophy 2. Last evaluated: 2021-11-24. Review status: criteria provided, single submitter. Criteria: ACMG Guidelines, 2015. Collection method: clinical testing. Allele origin: unknown.

Ambry Genetics
Classification: Likely benign for Hereditary cancer-predisposing syndrome. Last evaluated: 2018-09-29. Review status: criteria provided, single submitter. Criteria: Ambry Variant Classification Scheme 2023. Collection method: clinical testing. Allele origin: germline.

Breakthrough Genomics
Classification: Likely benign. Review status: criteria provided, single submitter. Criteria: ACMG Guidelines, 2015. Collection method: not provided. Allele origin: germline. Inheritance: Autosomal dominant inheritance. Affected: yes.

PreventionGenetics, part of Exact Sciences
Classification: Benign for CTNNA1-related condition. Last evaluated: 2019-06-03. Review status: no assertion criteria provided. Collection method: clinical testing. Allele origin: germline. Not counted in ClinVar's aggregate classification.
Comment: This variant is classified as benign based on ACMG/AMP sequence variant interpretation guidelines (Richards et al. 2015 PMID: 25741868, with internal and published modifications).

NM_001903.5(CTNNA1):c.1782C>T (p.Ala594=)

Gene: CTNNA1 (catenin alpha 1; plus strand). Cytogenetic location: 5q31.2.
Variant type: single nucleotide variant.
Coding change: c.1782C>T on transcript NM_001903.5 (MANE Select); coding-DNA position 1782, C replaced by T.
Protein change: p.Ala594=; no amino-acid change (alanine 594 retained).
Molecular consequence: synonymous variant.
Genome position (GRCh38, 1-based): chr5:138,925,290, C>T. VCF-style: chr5-138925290-C-T. GRCh37 (hg19) VCF-style: chr5-138260979-C-T.
Other names: c.1782C>T, p.Ala594= (NM_001290307.3, NM_001323982.2, NM_001323983.1 and 2 more transcripts); c.1473C>T, p.Ala491= (NM_001290309.3); c.1413C>T, p.Ala471= (NM_001290310.3); c.672C>T, p.Ala224= (NM_001290312.1, NM_001323987.1, NM_001323988.1 and 17 more transcripts); c.1689C>T, p.Ala563= (NM_001323986.2); c.333C>T, p.Ala111= (NM_001324006.1, NM_001324007.1, NM_001324008.1 and 2 more transcripts); c.579C>T, p.Ala193= (NM_001324011.1); c.429C>T, p.Ala143= (NM_001324012.1, NM_001324013.1); and 1 more.
Identifiers: ClinVar variation 239060 (VCV000239060.24), dbSNP rs142503438, ClinGen allele CA3432034.